The following is an entry in ClinVar:

ClinVar aggregate classification (germline): Uncertain significance. Review status: criteria provided, multiple submitters, no conflicts (2 of 4 stars). 2 submissions from 2 submitters: Uncertain significance (2). Last evaluated 2024-05-09.

Conditions:
Inborn genetic diseases. Identifiers: MedGen C0950123, MeSH D030342.

Submissions (2):

Ambry Genetics
Classification: Uncertain significance for Inborn genetic diseases. Last evaluated: 2024-05-09. Review status: criteria provided, single submitter. Criteria: Ambry Variant Classification Scheme 2023. Collection method: clinical testing. Allele origin: germline.

GeneDx
Classification: Uncertain significance. Last evaluated: 2022-07-13. Review status: criteria provided, single submitter. Criteria: GeneDx Variant Classification Process June 2021. Collection method: clinical testing. Allele origin: germline. Affected: yes.
Comment: Not observed at significant frequency in large population cohorts (gnomAD); In silico analysis supports that this missense variant has a deleterious effect on protein structure/function; Has not been previously published as pathogenic or benign to our knowledge

NM_006734.4(HIVEP2):c.1226A>G (p.Gln409Arg)

Gene: HIVEP2 (HIVEP zinc finger 2; minus strand). Cytogenetic location: 6q24.2.
Variant type: single nucleotide variant.
Coding change: c.1226A>G on transcript NM_006734.4 (MANE Select); coding-DNA position 1226, A replaced by G.
Protein change: p.Gln409Arg; replaces glutamine 409 with arginine.
Molecular consequence: missense variant.
Genome position (GRCh38, 1-based): chr6:142,773,513, T>C on the plus strand (A>G on the coding strand, the complement: HIVEP2 is on the minus strand). VCF-style: chr6-142773513-T-C. GRCh37 (hg19) VCF-style: chr6-143094650-T-C.
Other names: short protein forms Q409R.
Identifiers: ClinVar variation 1878755 (VCV001878755.2), dbSNP rs2482850199, ClinGen allele CA365914302.